The following is an entry in ClinVar:

ClinVar aggregate classification (germline): Uncertain significance (1 of 4 stars; one submission).

Allele frequency attached by ClinVar (database versions not stated): gnomAD exomes below 0.00001.
gnomAD v4.1: 1 of 1,614,240 alleles (0.000062%); no homozygotes.

Submission:

Labcorp Genetics (formerly Invitae), Labcorp
Classification: Uncertain significance. Last evaluated: 2016-05-22. Review status: criteria provided, single submitter. Criteria: Invitae Variant Classification Sherloc (09022015). Collection method: clinical testing. Allele origin: germline.
Comment: The current clinical and genetic evidence is not sufficient to establish whether loss-of-function variants in GALNT12 cause disease. Therefore, this variant has been classified as a Variant of Uncertain Significance. This variant is not present in population databases (ExAC no frequency) and has not been reported in the literature in individuals with a GALNT12-related disease. This sequence change results in a premature translational stop signal in the last exon of the GALNT12 mRNA at codon 547 (p.Cys547*). While this is not anticipated to result in nonsense mediated decay, it is expected to create a truncated GALNT12 protein.

NM_024642.5(GALNT12):c.1641T>A (p.Cys547Ter)

Gene: GALNT12 (polypeptide N-acetylgalactosaminyltransferase 12; plus strand). Cytogenetic location: 9q22.33.
Variant type: single nucleotide variant.
Coding change: c.1641T>A on transcript NM_024642.5 (MANE Select); coding-DNA position 1641, T replaced by A.
Protein change: p.Cys547Ter; replaces cysteine 547 with a stop codon.
Molecular consequence: nonsense.
Genome position (GRCh38, 1-based): chr9:98,848,987, T>A. VCF-style: chr9-98848987-T-A. GRCh37 (hg19) VCF-style: chr9-101611269-T-A.
Other names: short protein forms C547*.
Identifiers: ClinVar variation 410584 (VCV000410584.10), dbSNP rs1060502967, ClinGen allele CA16612806.